The following is an entry in ClinVar:

ClinVar aggregate classification (germline): Uncertain significance. Review status: criteria provided, multiple submitters, no conflicts (2 of 4 stars). 3 submissions from 3 submitters: Uncertain significance (3). Last evaluated 2025-09-25.

Conditions:
Inborn genetic diseases. Identifiers: MedGen C0950123, MeSH D030342.

Submissions (3):

Ambry Genetics
Classification: Uncertain significance for Inborn genetic diseases. Last evaluated: 2025-09-25. Review status: criteria provided, single submitter. Criteria: Ambry Variant Classification Scheme 2023. Collection method: clinical testing. Allele origin: germline.

GeneDx
Classification: Uncertain significance. Last evaluated: 2024-11-07. Review status: criteria provided, single submitter. Criteria: GeneDx Variant Classification Process June 2021. Collection method: clinical testing. Allele origin: germline. Affected: yes.
Comment: Not observed at significant frequency in large population cohorts (gnomAD); In silico analysis indicates that this missense variant does not alter protein structure/function; Has not been previously published as pathogenic or benign to our knowledge

Labcorp Genetics (formerly Invitae), Labcorp
Classification: Uncertain significance. Last evaluated: 2024-10-25. Review status: criteria provided, single submitter. Criteria: Invitae Variant Classification Sherloc (09022015). Collection method: clinical testing. Allele origin: germline.
Comment: This sequence change replaces glutamic acid, which is acidic and polar, with aspartic acid, which is acidic and polar, at codon 298 of the TPRN protein (p.Glu298Asp). This variant is present in population databases (rs539737661, gnomAD 0.005%). This variant has not been reported in the literature in individuals affected with TPRN-related conditions. ClinVar contains an entry for this variant (Variation ID: 1439726). Invitae Evidence Modeling of protein sequence and biophysical properties (such as structural, functional, and spatial information, amino acid conservation, physicochemical variation, residue mobility, and thermodynamic stability) indicates that this missense variant is not expected to disrupt TPRN protein function with a negative predictive value of 80%. In summary, the available evidence is currently insufficient to determine the role of this variant in disease. Therefore, it has been classified as a Variant of Uncertain Significance.

NM_001128228.3(TPRN):c.894G>C (p.Glu298Asp)

Gene: TPRN (taperin; minus strand). Cytogenetic location: 9q34.3.
Variant type: single nucleotide variant.
Coding change: c.894G>C on transcript NM_001128228.3 (MANE Select); coding-DNA position 894, G replaced by C.
Protein change: p.Glu298Asp; replaces glutamic acid 298 with aspartic acid.
Molecular consequence: missense variant.
Genome position (GRCh38, 1-based): chr9:137,199,818, C>G on the plus strand (G>C on the coding strand, the complement: TPRN is on the minus strand). VCF-style: chr9-137199818-C-G. GRCh37 (hg19) VCF-style: chr9-140094270-C-G.
Other names: c.894G>C (NM_001128228.2); short protein forms E298D.
Identifiers: ClinVar variation 1439726 (VCV001439726.9), dbSNP rs539737661, ClinGen allele CA5362866.
Genomic context (GRCh38, chr9:137,199,818, plus strand): 5'-CCGGGCCTGGAGGTCCCCCAAGGGGATGGTCTCCATAACTGGCTTGGGGGCCGGCCGTAT[C>G]TCGAAGGAGTCGTTGGTGCTGGTGGCTGCGGAGACGCACTGGCGCTGGCTAGGAGTGGCA-3'
Protein context (NP_001121700.2, residues 288-308): SAATSTNDSF[Glu298Asp]IRPAPKPVME